The following is an entry in ClinVar:

NM_004046.6(ATP5F1A):c.505C>T (p.Arg169Cys)

Gene: ATP5F1A (ATP synthase F1 subunit alpha; minus strand). Cytogenetic location: 18q21.1.
Variant type: single nucleotide variant.
Coding change: c.505C>T on transcript NM_004046.6 (MANE Select); coding-DNA position 505, C replaced by T.
Protein change: p.Arg169Cys; replaces arginine 169 with cysteine.
Molecular consequence: missense variant.
Genome position (GRCh38, 1-based): chr18:46,089,711, G>A on the plus strand (C>T on the coding strand, the complement: ATP5F1A is on the minus strand). VCF-style: chr18-46089711-G-A. GRCh37 (hg19) VCF-style: chr18-43669677-G-A.
Other names: c.355C>T, p.Arg119Cys (NM_001001935.3, NM_001257335.2); c.505C>T, p.Arg169Cys (NM_001001937.2); c.439C>T, p.Arg147Cys (NM_001257334.2); short protein forms R147C, R169C, R119C.
Identifiers: ClinVar variation 2459715 (VCV002459715.5), dbSNP rs200905182, ClinGen allele CA8950784.

ClinVar aggregate classification (germline): Uncertain significance. Review status: criteria provided, multiple submitters, no conflicts (2 of 4 stars). 3 submissions from 3 submitters: Uncertain significance (3). Last evaluated 2024-08-21.

Conditions:
Mitochondrial complex V (ATP synthase) deficiency, nuclear type 4A (MC5DN4A). Identifiers: MedGen C5830480, MONDO:0957254, OMIM 620358.
Combined oxidative phosphorylation deficiency 22 (COXPD22). Identifiers: MedGen C4015062, MONDO:0020727, OMIM 616045.
Mitochondrial complex V (ATP synthase) deficiency, nuclear type 4B. Also called: Mitochondrial complex V (ATP synthase) deficiency nuclear type 4. Identifiers: Orphanet 254913, MedGen C3808899, MONDO:0014091, OMIM 615228.
Inborn genetic diseases. Identifiers: MedGen C0950123, MeSH D030342.

Allele frequency attached by ClinVar (database versions not stated): gnomAD exomes 0.00002; ExAC 0.00004; gnomAD 0.00007; TOPMed 0.00008; ESP Exome Variant Server 0.00015.
gnomAD v4.1: 39 of 1,613,980 alleles (0.0024%); highest among the groups gnomAD compares: Admixed American, 0.015%; no homozygotes.

Submissions (3):

Labcorp Genetics (formerly Invitae), Labcorp
Classification: Uncertain significance. Last evaluated: 2024-08-21. Review status: criteria provided, single submitter. Criteria: Invitae Variant Classification Sherloc (09022015). Collection method: clinical testing. Allele origin: germline.
Comment: This sequence change replaces arginine, which is basic and polar, with cysteine, which is neutral and slightly polar, at codon 169 of the ATP5A1 protein (p.Arg169Cys). This variant is present in population databases (rs200905182, gnomAD 0.03%). This variant has not been reported in the literature in individuals affected with ATP5A1-related conditions. ClinVar contains an entry for this variant (Variation ID: 2459715). Invitae Evidence Modeling of protein sequence and biophysical properties (such as structural, functional, and spatial information, amino acid conservation, physicochemical variation, residue mobility, and thermodynamic stability) indicates that this missense variant is not expected to disrupt ATP5A1 protein function with a negative predictive value of 80%. In summary, the available evidence is currently insufficient to determine the role of this variant in disease. Therefore, it has been classified as a Variant of Uncertain Significance.

Fulgent Genetics
Classification: Uncertain significance for Mitochondrial complex V (ATP synthase) deficiency, nuclear type 4B; Combined oxidative phosphorylation deficiency 22; Mitochondrial complex V (ATP synthase) deficiency, nuclear type 4A. Last evaluated: 2024-05-16. Review status: criteria provided, single submitter. Criteria: ACMG Guidelines, 2015. Collection method: clinical testing. Allele origin: germline.

Ambry Genetics
Classification: Uncertain significance for Inborn genetic diseases. Last evaluated: 2023-02-28. Review status: criteria provided, single submitter. Criteria: Ambry Variant Classification Scheme 2023. Collection method: clinical testing. Allele origin: germline.